The following is an entry in ClinVar:

ClinVar aggregate classification (germline): Benign/Likely benign. Review status: criteria provided, multiple submitters, no conflicts (2 of 4 stars). 4 submissions from 4 submitters: Benign (2); Likely benign (1). 1 of the submissions does not count toward it. Last evaluated 2026-01-22.

Conditions:
MHC class I deficiency. Identifiers: Orphanet 34592, MedGen C6024714, MONDO:0011476.
TAP2-related disorder. Also called: TAP2-related condition.

Allele frequency attached by ClinVar (database versions not stated): gnomAD 0.01067 and 0.01133; TOPMed 0.01155; ExAC 0.00492; ESP Exome Variant Server 0.00841; 1000 Genomes Project 0.01258; 1000 Genomes Project 30x 0.01343.
gnomAD v4.1: 5,556 of 1,613,040 alleles (0.34%); highest among the groups gnomAD compares: African/African-American, 2.9%; 63 homozygotes.

Submissions (4):

Women's Health and Genetics/Laboratory Corporation of America, LabCorp
Classification: Benign. Last evaluated: 2026-01-22. Review status: criteria provided, single submitter. Criteria: LabCorp Variant Classification Summary - May 2015. Collection method: clinical testing. Allele origin: germline.

Blueprint Genetics
Classification: Likely benign. Last evaluated: 2024-11-26. Review status: criteria provided, single submitter. Criteria: ACMG Guidelines, 2015. Collection method: clinical testing. Allele origin: germline.

Labcorp Genetics (formerly Invitae), Labcorp
Classification: Benign for Bare lymphocyte syndrome type 1. Last evaluated: 2019-12-31. Review status: criteria provided, single submitter. Criteria: Invitae Variant Classification Sherloc (09022015). Collection method: clinical testing. Allele origin: germline.

PreventionGenetics, part of Exact Sciences
Classification: Benign for TAP2-related condition. Last evaluated: 2019-04-01. Review status: no assertion criteria provided. Collection method: clinical testing. Allele origin: germline. Not counted in ClinVar's aggregate classification.
Comment: This variant is classified as benign based on ACMG/AMP sequence variant interpretation guidelines (Richards et al. 2015 PMID: 25741868, with internal and published modifications).

NM_001290043.2(TAP2):c.1398G>A (p.Gly466=)

Gene: TAP2 (transporter 2, ATP binding cassette subfamily B member; minus strand). Cytogenetic location: 6p21.32.
Variant type: single nucleotide variant.
Coding change: c.1398G>A on transcript NM_001290043.2 (MANE Select); coding-DNA position 1398, G replaced by A.
Protein change: p.Gly466=; no amino-acid change (glycine 466 retained).
Molecular consequence: synonymous variant.
Genome position (GRCh38, 1-based): chr6:32,830,681, C>T on the plus strand (G>A on the coding strand, the complement: TAP2 is on the minus strand). VCF-style: chr6-32830681-C-T. GRCh37 (hg19) VCF-style: chr6-32798458-C-T.
Other names: c.1398G>A, p.Gly466= (NM_000544.3, NM_018833.3).
Identifiers: ClinVar variation 768077 (VCV000768077.8), dbSNP rs137982419, ClinGen allele CA3745922.
Genomic context (GRCh38, chr6:32,830,681, plus strand): 5'-GAGCACAGGCCTGTCAGGGCGATTGGGATATGCAAAGGAGACGTCTTGGAATTTCACAAC[C>T]CCCTGCAGAGTGGTGGGGGCAAGCGTGCCAGGTGAAGGCAGATTTGGCTGTCGGTCCATG-3'
Protein context (NP_001276972.1, residues 456-476): PGTLAPTTLQ[Gly466=]VVKFQDVSFA